The following is an entry in ClinVar:

ClinVar aggregate classification (germline): Conflicting classifications of pathogenicity. Review status: criteria provided, conflicting classifications (1 of 4 stars). 3 submissions from 3 submitters: Uncertain significance (2); Likely benign (1). Last evaluated 2025-11-06.

Conditions:
MSRB3-related disorder. Also called: MSRB3-related condition.

Allele frequency attached by ClinVar (database versions not stated): gnomAD exomes 0.00004 and 0.00007; ExAC 0.00007; ESP Exome Variant Server 0.00031; TOPMed 0.00033; gnomAD 0.00039 and 0.00041.
gnomAD v4.1: 119 of 1,614,028 alleles (0.0074%); highest among the groups gnomAD compares: African/African-American, 0.12%; no homozygotes.

Submissions (3):

PreventionGenetics, part of Exact Sciences
Classification: Uncertain significance for MSRB3-related condition. Last evaluated: 2025-11-06. Review status: criteria provided, single submitter. Criteria: ACMG Guidelines, 2015. Collection method: clinical testing. Allele origin: germline.
Comment: The MSRB3 c.551C>T variant is predicted to result in the amino acid substitution p.Pro184Leu. To our knowledge, this variant has not been reported in the literature. This variant is reported in 0.12% of alleles in individuals of African descent in gnomAD. Although we suspect that this variant may be benign, at this time, the clinical significance of this variant is uncertain due to the absence of conclusive functional and genetic evidence.

Laboratory for Molecular Medicine, Mass General Brigham Personalized Medicine
Classification: Uncertain significance. Last evaluated: 2018-10-24. Review status: criteria provided, single submitter. Criteria: LMM Criteria. Collection method: clinical testing. Allele origin: germline. Observed: 1 variant allele.
Comment: Variant classified as Uncertain Significance - Favor Benign. The p.Pro177Leu var iant in MSRB3 has not been previously reported in individuals with hearing loss but has been identified in 0.1% (30/24030) of African chromosomes by the Genome Aggregation Database (gnomAD). Computational p rediction tools and computational analyses do not provide strong support for or against an impact the protein. In summary, while the clinical significance of th e p.Pro177Leu variant is uncertain, its frequency suggests that it is more likel y to be benign. ACMG/AMP Criteria applied: BS1_Supporting.

Genomic Diagnostic Laboratory, Division of Genomic Diagnostics, Children's Hospital of Philadelphia
Classification: Likely benign. Last evaluated: 2015-02-05. Review status: criteria provided, single submitter. Criteria: DGD Variant Analysis Guidelines. Collection method: clinical testing. Allele origin: unknown.

NM_001031679.3(MSRB3):c.530C>T (p.Pro177Leu)

Gene: MSRB3 (methionine sulfoxide reductase B3; plus strand). Cytogenetic location: 12q14.3.
Variant type: single nucleotide variant.
Coding change: c.530C>T on transcript NM_001031679.3 (MANE Select); coding-DNA position 530, C replaced by T.
Protein change: p.Pro177Leu; replaces proline 177 with leucine.
Molecular consequence: missense variant.
Genome position (GRCh38, 1-based): chr12:65,463,294, C>T. VCF-style: chr12-65463294-C-T. GRCh37 (hg19) VCF-style: chr12-65857074-C-T.
Other names: c.530C>T, p.Pro177Leu (NM_001193460.2, NM_001193461.2); c.551C>T, p.Pro184Leu (NM_198080.4); c.551C>T (NM_198080.3); short protein forms P184L, P177L.
Identifiers: ClinVar variation 218537 (VCV000218537.7), dbSNP rs144038296, ClinGen allele CA249164.
Genomic context (GRCh38, chr12:65,463,294, plus strand): 5'-TGTCTTTTACACCTGCGGATAGCAGTGGCACCGCCGAGGGAGGCAGTGGGGTCGCCAGCC[C>T]GGCCCAGGCAGACAAAGCGGAGCTCTAGAGTAATGGAGAGTGATGGAAACAAAGTGTACT-3'
Protein context (NP_001026849.1, residues 167-185): TAEGGSGVAS[Pro177Leu]AQADKAEL